The following is an entry in ClinVar:

NM_001308093.3(GATA4):c.730C>G (p.Leu244Val)

Gene: GATA4 (GATA binding protein 4). Cytogenetic location: 8p23.1.
Variant type: single nucleotide variant.
Coding change: c.730C>G on transcript NM_001308093.3 (MANE Select); coding-DNA position 730, C replaced by G.
Protein change: p.Leu244Val; replaces leucine 244 with valine.
Molecular consequence: missense variant.
Genome position (GRCh38, 1-based): chr8:11,749,029, C>G. VCF-style: chr8-11749029-C-G. GRCh37 (hg19) VCF-style: chr8-11606538-C-G.
Other names: c.727C>G (NM_002052.3); c.109C>G, p.Leu37Val (NM_001308094.2, NM_001374273.1, NM_001374274.1); c.727C>G, p.Leu243Val (NM_002052.5); short protein forms L243V, L37V, L244V.
Identifiers: ClinVar variation 1985427 (VCV001985427.6), dbSNP rs781583541, ClinGen allele CA4630663.

ClinVar aggregate classification (germline): Uncertain significance. Review status: criteria provided, multiple submitters, no conflicts (2 of 4 stars). 2 submissions from 2 submitters: Uncertain significance (2). Last evaluated 2026-07-16.

Conditions:
Atrioventricular septal defect 4 (AVSD4). Identifiers: MedGen C3280781, MONDO:0013747, OMIM 614430.

Allele frequency attached by ClinVar (database versions not stated): ExAC 0.00001; gnomAD exomes below 0.00001.
gnomAD v4.1: 1 of 1,614,238 alleles (0.000062%); highest among the groups gnomAD compares: Non-Finnish European, 0.000085%; no homozygotes.

Submissions (2):

GeneDx
Classification: Uncertain significance. Last evaluated: 2026-07-16. Review status: criteria provided, single submitter. Criteria: GeneDx Variant Classification Process June 2021. Collection method: clinical testing. Allele origin: germline.
Comment: Not observed at significant frequency in large population cohorts (gnomAD); In silico analysis supports that this missense variant has a deleterious effect on protein structure/function; Has not been previously published as pathogenic or benign to our knowledge

Labcorp Genetics (formerly Invitae), Labcorp
Classification: Uncertain significance for Atrioventricular septal defect 4. Last evaluated: 2025-03-18. Review status: criteria provided, single submitter. Criteria: Invitae Variant Classification Sherloc (09022015). Collection method: clinical testing. Allele origin: germline.
Comment: This sequence change replaces leucine, which is neutral and non-polar, with valine, which is neutral and non-polar, at codon 243 of the GATA4 protein (p.Leu243Val). This variant is present in population databases (rs781583541, gnomAD 0.0009%). This variant has not been reported in the literature in individuals affected with GATA4-related conditions. ClinVar contains an entry for this variant (Variation ID: 1985427). Invitae Evidence Modeling of protein sequence and biophysical properties (such as structural, functional, and spatial information, amino acid conservation, physicochemical variation, residue mobility, and thermodynamic stability) has been performed for this missense variant. However, the output from this modeling did not meet the statistical confidence thresholds required to predict the impact of this variant on GATA4 protein function. In summary, the available evidence is currently insufficient to determine the role of this variant in disease. Therefore, it has been classified as a Variant of Uncertain Significance.